The following is an entry in ClinVar:

NM_000548.5(TSC2):c.482-13G>A

Gene: TSC2 (TSC complex subunit 2; plus strand). Cytogenetic location: 16p13.3.
Variant type: single nucleotide variant.
Coding change: c.482-13G>A on transcript NM_000548.5 (MANE Select); 13 bases into the intron before coding-DNA position 482, G replaced by A.
Molecular consequence: intron variant.
Genome position (GRCh38, 1-based): chr16:2,055,389, G>A. VCF-style: chr16-2055389-G-A. GRCh37 (hg19) VCF-style: chr16-2105390-G-A.
Other names: c.482-13G>A (NM_001114382.3, NM_021055.3, NM_001370405.1 and 3 more transcripts); c.371-13G>A (NM_001318827.2); c.-1-807G>A (NM_001318831.2); c.335-13G>A (NM_001318829.2); c.515-13G>A (NM_001318832.2).
Identifiers: ClinVar variation 1587391 (VCV001587391.11), dbSNP rs1221885368, ClinGen allele CA718905702.
Genomic context (GRCh38, chr16:2,055,389, plus strand): 5'-TGCGGCGGGAGGGGGAGGTGAGTGGGAGATGTAGATTCGGCGTCCTCGCAAACTGCCGCC[G>A]CTTCTCCCCCAGCTGACTTTGTCCTGCAGTGGATGGATGTTGGCTTGTCCTCGGAATTCC-3'

ClinVar aggregate classification (germline): Conflicting classifications of pathogenicity. Review status: criteria provided, conflicting classifications (1 of 4 stars). 5 submissions from 5 submitters: Uncertain significance (1); Likely benign (4). Last evaluated 2025-05-11.

Conditions:
Tuberous sclerosis 2 (TSC2). Identifiers: Orphanet 805, MedGen C1860707, MONDO:0013199, OMIM 613254.
Tuberous sclerosis syndrome (TSC). Also called: Tuberous Sclerosis Complex; Tuberous sclerosis. Identifiers: Orphanet 805, MedGen C0041341, MONDO:0001734.
Hereditary cancer-predisposing syndrome. Also called: Neoplastic Syndromes, Hereditary; Hereditary neoplastic syndrome; Hereditary Cancer Syndrome; Tumor predisposition. Identifiers: Orphanet 140162, MedGen C0027672, MeSH D009386, MONDO:0015356.

Allele frequency attached by ClinVar (database versions not stated): TOPMed 0.00002.
gnomAD v4.1: 5 of 1,611,708 alleles (0.00031%); highest among the groups gnomAD compares: Non-Finnish European, 0.00042%; no homozygotes.

Submissions (5):

Labcorp Genetics (formerly Invitae), Labcorp
Classification: Likely benign for Tuberous sclerosis 2. Last evaluated: 2025-05-11. Review status: criteria provided, single submitter. Criteria: Invitae Variant Classification Sherloc (09022015). Collection method: clinical testing. Allele origin: germline.

Myriad Genetics, Inc.
Classification: Likely benign for Tuberous sclerosis 2. Last evaluated: 2025-05-07. Review status: criteria provided, single submitter. Criteria: Myriad Autosomal Dominant, Autosomal Recessive and X-Linked Classification Criteria (2023). Collection method: clinical testing. Allele origin: unknown.
Comment: This variant is considered likely benign. This variant is intronic and is not expected to impact mRNA splicing.

All of Us Research Program, National Institutes of Health
Classification: Likely benign for Tuberous sclerosis syndrome. Last evaluated: 2024-07-10. Review status: criteria provided, single submitter. Criteria: ACMG Guidelines, 2015. Collection method: clinical testing. Allele origin: germline. Inheritance: Autosomal dominant inheritance. Observed: 1 variant allele, 1 heterozygote.
Comment: This study involves interpretation of variants in research participants for the purpose of population health screening. Participant phenotype was not available at the time of variant classification. Additional details can be found in publication PMID: 35346344, PMCID: PMC8962531

Color Diagnostics, LLC DBA Color Health
Classification: Likely benign for Tuberous sclerosis syndrome. Last evaluated: 2024-06-13. Review status: criteria provided, single submitter. Criteria: ACMG Guidelines, 2015. Collection method: clinical testing. Allele origin: germline.

Sema4
Classification: Uncertain significance for Hereditary cancer-predisposing syndrome. Last evaluated: 2021-11-15. Review status: criteria provided, single submitter. Criteria: Sema4 Curation Guidelines. Collection method: curation. Allele origin: germline.
Comment: The TSC2 c.482-13G>A variant has not been reported in literature to our knowledge. This variant is not reported in the large and broad cohorts of the Genome Aggregation Database (PMID: 32461654). This variant has not been reported in ClinVar. In silico tools suggest that this variant may not impact splicing though these predictions have not been confirmed by functional studies. The overall evidence is insufficient to meet ACMG/AMP criteria for classifying it as benign or pathogenic. In summary, the clinical significance of this variant is currently uncertain.